The following is an entry in ClinVar:

NM_005068.3(SIM1):c.1146C>A (p.Ser382=)

Genes: SIM1 (SIM bHLH transcription factor 1; minus strand), SIM1-AS1 (SIM1 antisense RNA 1; plus strand). Cytogenetic location: 6q16.3.
Variant type: single nucleotide variant.
Coding change: c.1146C>A on transcript NM_005068.3 (MANE Select); coding-DNA position 1146, C replaced by A.
Protein change: p.Ser382=; no amino-acid change (serine 382 retained).
Molecular consequence: synonymous variant.
Genome position (GRCh38, 1-based): chr6:100,420,811, G>T on the plus strand (C>A on the coding strand, the complement: SIM1 is on the minus strand). VCF-style: chr6-100420811-G-T. GRCh37 (hg19) VCF-style: chr6-100868687-G-T.
Other names: c.1146C>A, p.Ser382= (NM_001374769.1).
Identifiers: ClinVar variation 781633 (VCV000781633.4), dbSNP rs766261296, ClinGen allele CA3937119.

ClinVar aggregate classification (germline): Benign/Likely benign. Review status: criteria provided, multiple submitters, no conflicts (2 of 4 stars). 2 submissions from 2 submitters: Benign (1); Likely benign (1). Last evaluated 2024-12-18.

Conditions:
SIM1-related disorder. Also called: SIM1-related disorders; SIM1-related condition.

Allele frequency attached by ClinVar (database versions not stated): ExAC 0.00005; TOPMed 0.00005; gnomAD 0.00006; gnomAD exomes 0.00008.
gnomAD v4.1: 62 of 1,614,024 alleles (0.0038%); highest among the groups gnomAD compares: Non-Finnish European, 0.00076%; no homozygotes.

Submissions (2):

PreventionGenetics, part of Exact Sciences
Classification: Likely benign for SIM1-related condition. Last evaluated: 2024-12-18. Review status: criteria provided, single submitter. Criteria: ACMG Guidelines, 2015. Collection method: clinical testing. Allele origin: germline.
Comment: This variant is classified as likely benign based on ACMG/AMP sequence variant interpretation guidelines (Richards et al. 2015 PMID: 25741868, with internal and published modifications).

Labcorp Genetics (formerly Invitae), Labcorp
Classification: Benign. Last evaluated: 2018-08-22. Review status: criteria provided, single submitter. Criteria: Invitae Variant Classification Sherloc (09022015). Collection method: clinical testing. Allele origin: germline.